The following is an entry in ClinVar:

NM_001330195.2(NRXN3):c.291C>T (p.Ala97=)

Gene: NRXN3 (neurexin 3; plus strand). Cytogenetic location: 14q24.3.
Variant type: single nucleotide variant.
Coding change: c.291C>T on transcript NM_001330195.2 (MANE Select); coding-DNA position 291, C replaced by T.
Protein change: p.Ala97=; no amino-acid change (alanine 97 retained).
Molecular consequence: synonymous variant. On other transcripts: non-coding transcript variant (4).
Genome position (GRCh38, 1-based): chr14:78,243,384, C>T. VCF-style: chr14-78243384-C-T. GRCh37 (hg19) VCF-style: chr14-78709727-C-T.
Other names: c.291C>T, p.Ala97= (NM_001366425.1, NM_001366426.1).
Identifiers: ClinVar variation 3045674 (VCV003045674.4), dbSNP rs138817150, ClinGen allele CA7291309.

ClinVar aggregate classification (germline): Likely benign. Review status: criteria provided, multiple submitters, no conflicts (2 of 4 stars). 3 submissions from 3 submitters: Likely benign (2). 1 of the submissions does not count toward it. Last evaluated 2026-08-01.

Conditions:
NRXN3-related disorder. Also called: NRXN3-related condition.

Allele frequency attached by ClinVar (database versions not stated): 1000 Genomes Project 30x 0.00031; 1000 Genomes Project 0.00040; TOPMed 0.00083; gnomAD exomes 0.00095; ESP Exome Variant Server 0.00105; gnomAD 0.00129; ExAC 0.00287.
gnomAD v4.1: 1,552 of 1,565,370 alleles (0.099%); highest among the groups gnomAD compares: Non-Finnish European, 0.11%; 7 homozygotes.

Submissions (3):

CeGaT Center for Human Genetics Tuebingen
Classification: Likely benign. Last evaluated: 2026-08-01. Review status: criteria provided, single submitter. Criteria: CeGaT Center For Human Genetics Tuebingen Variant Classification Criteria Version 2. Collection method: clinical testing. Allele origin: germline. Affected: yes. Observed: 1 variant allele.
Comment: NRXN3: BP4, BP7

Blueprint Genetics
Classification: Likely benign. Last evaluated: 2024-11-26. Review status: criteria provided, single submitter. Criteria: ACMG Guidelines, 2015. Collection method: clinical testing. Allele origin: germline.

PreventionGenetics, part of Exact Sciences
Classification: Likely benign for NRXN3-related condition. Last evaluated: 2022-10-24. Review status: no assertion criteria provided. Collection method: clinical testing. Allele origin: germline. Not counted in ClinVar's aggregate classification.
Comment: This variant is classified as likely benign based on ACMG/AMP sequence variant interpretation guidelines (Richards et al. 2015 PMID: 25741868, with internal and published modifications).